The following is an entry in ClinVar:

NC_000006.11:g.(?_110012639)_(110098283_?)dup

Gene: FIG4 (FIG4 phosphoinositide 5-phosphatase; plus strand). Cytogenetic location: 6q21.
Variant type: Duplication.
Identifiers: ClinVar variation 2425989 (VCV002425989.4).

ClinVar aggregate classification (germline): Uncertain significance (1 of 4 stars; one submission).

Conditions:
Charcot-Marie-Tooth disease type 4. Also called: Charcot-Marie-Tooth disease, type IV; Charcot-Marie-Tooth, Type 4. Identifiers: Orphanet 64749, MedGen C4082197, MONDO:0018995.

Submission:

Labcorp Genetics (formerly Invitae), Labcorp
Classification: Uncertain significance for Charcot-Marie-Tooth disease type 4. Last evaluated: 2022-07-14. Review status: criteria provided, single submitter. Criteria: Invitae Variant Classification Sherloc (09022015). Collection method: clinical testing. Allele origin: germline.
Comment: In summary, the available evidence is currently insufficient to determine the role of this variant in disease. Therefore, it has been classified as a Variant of Uncertain Significance. This variant has not been reported in the literature in individuals affected with FIG4-related conditions. This variant results in a copy number gain of the genomic region encompassing exon(s) 1-16 of the FIG4 gene. This region includes the initiator codon of the gene. This copy number gain extends beyond the assayed region for this gene and therefore may encompass additional genes. As the precise location of this event is unknown, it may be in tandem or it may be located elsewhere in the genome.